The following is an entry in ClinVar:

ClinVar aggregate classification (germline): Uncertain significance (1 of 4 stars; one submission).

Conditions:
Baller-Gerold syndrome (BGS). Also called: CRANIOSYNOSTOSIS WITH RADIAL DEFECTS. Identifiers: Orphanet 1225, MedGen C0265308, MONDO:0009039, OMIM 218600.

gnomAD v4.1: 1 of 1,605,140 alleles (0.000062%); highest among the groups gnomAD compares: South Asian, 0.0011%; no homozygotes.

Submission:

Labcorp Genetics (formerly Invitae), Labcorp
Classification: Uncertain significance for Baller-Gerold syndrome. Last evaluated: 2020-07-08. Review status: criteria provided, single submitter. Criteria: Invitae Variant Classification Sherloc (09022015). Collection method: clinical testing. Allele origin: germline.
Comment: This sequence change replaces aspartic acid with tyrosine at codon 779 of the RECQL4 protein (p.Asp779Tyr). The aspartic acid residue is highly conserved and there is a large physicochemical difference between aspartic acid and tyrosine. Experimental studies and prediction algorithms are not available or were not evaluated, and the functional significance of this variant is currently unknown. This variant has not been reported in the literature in individuals with RECQL4-related conditions. This variant is not present in population databases (ExAC no frequency). In summary, the available evidence is currently insufficient to determine the role of this variant in disease. Therefore, it has been classified as a Variant of Uncertain Significance.

NM_004260.4(RECQL4):c.2335G>T (p.Asp779Tyr)

Gene: RECQL4 (RecQ like helicase 4; minus strand). Cytogenetic location: 8q24.3.
Variant type: single nucleotide variant.
Coding change: c.2335G>T on transcript NM_004260.4 (MANE Select); coding-DNA position 2335, G replaced by T.
Protein change: p.Asp779Tyr; replaces aspartic acid 779 with tyrosine.
Molecular consequence: missense variant.
Genome position (GRCh38, 1-based): chr8:144,513,346, C>A on the plus strand (G>T on the coding strand, the complement: RECQL4 is on the minus strand). VCF-style: chr8-144513346-C-A. GRCh37 (hg19) VCF-style: chr8-145738729-C-A.
Other names: short protein forms D779Y.
Identifiers: ClinVar variation 1021556 (VCV001021556.3), dbSNP rs780228802, ClinGen allele CA372678326.